The following is an entry in ClinVar:

ClinVar aggregate classification (germline): Conflicting classifications of pathogenicity. Review status: criteria provided, conflicting classifications (1 of 4 stars). 2 submissions from 2 submitters: Uncertain significance (1); Likely benign (1). Last evaluated 2023-03-23.

Conditions:
Hereditary cancer-predisposing syndrome. Also called: Neoplastic Syndromes, Hereditary; Hereditary Cancer Syndrome; Hereditary neoplastic syndrome; Tumor predisposition. Identifiers: Orphanet 140162, MedGen C0027672, MeSH D009386, MONDO:0015356.
Hereditary breast ovarian cancer syndrome. Also called: Hereditary breast and ovarian cancer syndrome (HBOC); Hereditary breast and ovarian cancer syndrome; Breast and ovarian cancer; Hereditary breast and/or ovarian cancer syndrome; Hereditary breast and ovarian cancer; BRCA1- and BRCA2-Associated Hereditary Breast and Ovarian Cancer. Identifiers: Orphanet 145, MedGen C0677776, MeSH D061325, MONDO:0003582. Disease mechanism: loss of function.

Submissions (2):

University of Washington Department of Laboratory Medicine, University of Washington
Classification: Likely benign for Hereditary cancer-predisposing syndrome. Last evaluated: 2023-03-23. Review status: criteria provided, single submitter. Criteria: Dines et al. (Genet Med. 2020). Collection method: curation. Allele origin: germline.
Comment: Missense variant in a coldspot region where missense variants are very unlikely to be pathogenic (PMID:31911673).

BRCA2 exon 11 coldspot. Reclassification based on statistical prior probability.

Labcorp Genetics (formerly Invitae), Labcorp
Classification: Uncertain significance for Hereditary breast ovarian cancer syndrome. Last evaluated: 2017-06-25. Review status: criteria provided, single submitter. Criteria: Invitae Variant Classification Sherloc (09022015). Collection method: clinical testing. Allele origin: germline.
Comment: This sequence change replaces aspartic acid with glutamic acid at codon 935 of the BRCA2 protein (p.Asp935Glu). The aspartic acid residue is weakly conserved and there is a small physicochemical difference between aspartic acid and glutamic acid. This variant is not present in population databases (ExAC no frequency). This variant has not been reported in the literature in individuals with BRCA2-related disease. Algorithms developed to predict the effect of missense changes on protein structure and function output the following: SIFT: "Tolerated"; PolyPhen-2: "Benign"; Align-GVGD: "Class C0". The glutamic acid amino acid residue is found in multiple mammalian species, suggesting that this missense change does not adversely affect protein function. These predictions have not been confirmed by published functional studies and their clinical significance is uncertain. Algorithms developed to predict the effect of sequence changes on RNA splicing suggest that this variant may create or strengthen a splice site, but this prediction has not been confirmed by published transcriptional studies. In summary, the available evidence is currently insufficient to determine the role of this variant in disease. Therefore, it has been classified as a Variant of Uncertain Significance.

NM_000059.4(BRCA2):c.2805T>G (p.Asp935Glu)

Gene: BRCA2 (BRCA2 DNA repair associated; plus strand). Cytogenetic location: 13q13.1.
Variant type: single nucleotide variant.
Coding change: c.2805T>G on transcript NM_000059.4 (MANE Select); coding-DNA position 2805, T replaced by G.
Protein change: p.Asp935Glu; replaces aspartic acid 935 with glutamic acid.
Molecular consequence: missense variant.
Genome position (GRCh38, 1-based): chr13:32,337,160, T>G. VCF-style: chr13-32337160-T-G. GRCh37 (hg19) VCF-style: chr13-32911297-T-G.
Other names: short protein forms D935E.
Identifiers: ClinVar variation 462278 (VCV000462278.10), dbSNP rs749138071, ClinGen allele CA387773754.